The following is an entry in ClinVar:

NM_000038.6(APC):c.8078A>G (p.Asn2693Ser)

Gene: APC (APC regulator of Wnt signaling pathway; plus strand). Cytogenetic location: 5q22.2.
Variant type: single nucleotide variant.
Coding change: c.8078A>G on transcript NM_000038.6 (MANE Select); coding-DNA position 8078, A replaced by G.
Protein change: p.Asn2693Ser; replaces asparagine 2693 with serine.
Molecular consequence: missense variant. On other transcripts: non-coding transcript variant (2).
Genome position (GRCh38, 1-based): chr5:112,843,672, A>G. VCF-style: chr5-112843672-A-G. GRCh37 (hg19) VCF-style: chr5-112179369-A-G.
Other names: c.8078A>G (NM_000038.5); c.8078A>G, p.Asn2693Ser (NM_001127510.3, NM_001354895.2, NM_001407450.1); c.8024A>G, p.Asn2675Ser (NM_001127511.3); c.8132A>G, p.Asn2711Ser (NM_001354896.2, NM_001407447.1, NM_001407448.1 and 1 more transcripts); c.8108A>G, p.Asn2703Ser (NM_001354897.2); c.8003A>G, p.Asn2668Ser (NM_001354898.2); c.7994A>G, p.Asn2665Ser (NM_001354899.2); c.7955A>G, p.Asn2652Ser (NM_001354900.2); and 12 more; short protein forms N2309S, N2410S, N2533S, N2564S, N2567S, N2592S, N2602S, N2610S.
Identifiers: ClinVar variation 3336066 (VCV003336066.2).

ClinVar aggregate classification (germline): Uncertain significance. Review status: criteria provided, multiple submitters, no conflicts (2 of 4 stars). 2 submissions from 2 submitters: Uncertain significance (2). Last evaluated 2026-04-21.

Conditions:
Hereditary cancer-predisposing syndrome. Also called: Neoplastic Syndromes, Hereditary; Tumor predisposition; Hereditary Cancer Syndrome; Hereditary neoplastic syndrome. Identifiers: Orphanet 140162, MedGen C0027672, MeSH D009386, MONDO:0015356.

Submissions (2):

Ambry Genetics
Classification: Uncertain significance for Hereditary cancer-predisposing syndrome. Last evaluated: 2026-04-21. Review status: criteria provided, single submitter. Criteria: Ambry Variant Classification Scheme 2023. Collection method: clinical testing. Allele origin: germline.
Comment: The p.N2693S variant (also known as c.8078A>G), located in coding exon 15 of the APC gene, results from an A to G substitution at nucleotide position 8078. The asparagine at codon 2693 is replaced by serine, an amino acid with highly similar properties. This amino acid position is not well conserved in available vertebrate species. In addition, in silico predictors for this gene do not accurately predict pathogenicity. Missense variants in APC are not a common cause of disease (Spier I et al. Genet Med. 2024 Feb;26(2):100992). Based on the available evidence, the clinical significance of this variant remains unclear.

Women's Health and Genetics/Laboratory Corporation of America, LabCorp
Classification: Uncertain significance. Last evaluated: 2024-05-09. Review status: criteria provided, single submitter. Criteria: LabCorp Variant Classification Summary - May 2015. Collection method: clinical testing. Allele origin: germline.
Comment: Variant summary: APC c.8078A>G (p.Asn2693Ser) results in a conservative amino acid change located in the EB-1 binding domain (IPR009232) of the encoded protein sequence. Five of five in-silico tools predict a benign effect of the variant on protein function. The variant was absent in 251348 control chromosomes. The available data on variant occurrences in the general population are insufficient to allow any conclusion about variant significance. To our knowledge, no occurrence of c.8078A>G in individuals affected with Familial Adenomatous Polyposis and no experimental evidence demonstrating its impact on protein function have been reported. No submitters have cited clinical-significance assessments for this variant to ClinVar. Based on the evidence outlined above, the variant was classified as uncertain significance.